The following is an entry in ClinVar:

NM_030962.4(SBF2):c.5074T>C (p.Ser1692Pro)

Genes: SBF2 (SET binding factor 2; minus strand), SBF2-AS1 (SBF2 antisense RNA 1; plus strand), LOC105369149 (uncharacterized LOC105369149; plus strand). Cytogenetic location: 11p15.4.
Variant type: single nucleotide variant.
Coding change: c.5074T>C on transcript NM_030962.4 (MANE Select); coding-DNA position 5074, T replaced by C.
Protein change: p.Ser1692Pro; replaces serine 1692 with proline.
Molecular consequence: missense variant.
Genome position (GRCh38, 1-based): chr11:9,785,282, A>G on the plus strand (T>C on the coding strand, the complement: SBF2 is on the minus strand). VCF-style: chr11-9785282-A-G. GRCh37 (hg19) VCF-style: chr11-9806829-A-G.
Other names: p.Ser1692Pro; c.5170T>C, p.Ser1724Pro (NM_001386339.1); c.4945T>C, p.Ser1649Pro (NM_001386342.1); short protein forms S1692P, S1649P, S1724P.
Identifiers: ClinVar variation 840713 (VCV000840713.38), dbSNP rs776642521, ClinGen allele CA5880790.

ClinVar aggregate classification (germline): Uncertain significance. Review status: criteria provided, multiple submitters, no conflicts (2 of 4 stars). 5 submissions from 5 submitters: Uncertain significance (5). Last evaluated 2025-08-03.

Conditions:
Inborn genetic diseases. Identifiers: MedGen C0950123, MeSH D030342.
Charcot-Marie-Tooth disease type 4. Also called: Charcot-Marie-Tooth disease, type IV; Charcot-Marie-Tooth, Type 4. Identifiers: Orphanet 64749, MedGen C4082197, MONDO:0018995.

Allele frequency attached by ClinVar (database versions not stated): TOPMed 0.00006; gnomAD 0.00007; gnomAD exomes 0.00010 and 0.00011; ExAC 0.00012.
gnomAD v4.1: 148 of 1,614,074 alleles (0.0092%); highest among the groups gnomAD compares: Non-Finnish European, 0.012%; no homozygotes.

Submissions (5):

Labcorp Genetics (formerly Invitae), Labcorp
Classification: Uncertain significance for Charcot-Marie-Tooth disease type 4. Last evaluated: 2025-08-03. Review status: criteria provided, single submitter. Criteria: Invitae Variant Classification Sherloc (09022015). Collection method: clinical testing. Allele origin: germline.
Comment: This sequence change replaces serine, which is neutral and polar, with proline, which is neutral and non-polar, at codon 1692 of the SBF2 protein (p.Ser1692Pro). This variant is present in population databases (rs776642521, gnomAD 0.02%). This variant has not been reported in the literature in individuals affected with SBF2-related conditions. ClinVar contains an entry for this variant (Variation ID: 840713). Invitae Evidence Modeling of protein sequence and biophysical properties (such as structural, functional, and spatial information, amino acid conservation, physicochemical variation, residue mobility, and thermodynamic stability) indicates that this missense variant is not expected to disrupt SBF2 protein function with a negative predictive value of 80%. In summary, the available evidence is currently insufficient to determine the role of this variant in disease. Therefore, it has been classified as a Variant of Uncertain Significance.

CeGaT Center for Human Genetics Tuebingen
Classification: Uncertain significance. Last evaluated: 2025-02-01. Review status: criteria provided, single submitter. Criteria: CeGaT Center For Human Genetics Tuebingen Variant Classification Criteria Version 2. Collection method: clinical testing. Allele origin: germline. Affected: yes. Observed: 3 variant alleles.
Comment: SBF2: PM2, BP4

Ambry Genetics
Classification: Uncertain significance for Inborn genetic diseases. Last evaluated: 2024-08-19. Review status: criteria provided, single submitter. Criteria: Ambry Variant Classification Scheme 2023. Collection method: clinical testing. Allele origin: germline.

Mayo Clinic Laboratories, Mayo Clinic
Classification: Uncertain significance. Last evaluated: 2024-07-10. Review status: criteria provided, single submitter. Criteria: ACMG Guidelines, 2015. Collection method: clinical testing. Allele origin: germline. Observed: 1 variant allele.
Comment: BP4, PM2

GeneDx
Classification: Uncertain significance. Last evaluated: 2024-06-07. Review status: criteria provided, single submitter. Criteria: GeneDx Variant Classification Process June 2021. Collection method: clinical testing. Allele origin: germline. Affected: yes.
Comment: In silico analysis indicates that this missense variant does not alter protein structure/function; Has not been previously published as pathogenic or benign to our knowledge